The following is an entry in ClinVar:

ClinVar aggregate classification (germline): Uncertain significance. Review status: criteria provided, multiple submitters, no conflicts (2 of 4 stars). 5 submissions from 5 submitters: Uncertain significance (5). Last evaluated 2025-08-13.

Conditions:
Megaloblastic anemia, thiamine-responsive, with diabetes mellitus and sensorineural deafness (TRMA). Also called: THIAMINE METABOLISM DYSFUNCTION SYNDROME 1 (MEGALOBLASTIC ANEMIA, DIABETES MELLITUS, AND DEAFNESS TYPE); Thiamine-Responsive Megaloblastic Anemia Syndrome; ROGERS SYNDROME; THIAMINE-RESPONSIVE ANEMIA SYNDROME; THIAMINE-RESPONSIVE MYELODYSPLASIA. Identifiers: Orphanet 49827, MedGen C0342287, MONDO:0009575, OMIM 249270.
Inborn genetic diseases. Identifiers: MedGen C0950123, MeSH D030342.

Allele frequency attached by ClinVar (database versions not stated): gnomAD exomes 0.00002 and 0.00003; ExAC 0.00003; gnomAD 0.00003 and 0.00004; TOPMed 0.00003.
gnomAD v4.1: 50 of 1,613,738 alleles (0.0031%); highest among the groups gnomAD compares: African/African-American, 0.004%; no homozygotes.

Submissions (5):

Ambry Genetics
Classification: Uncertain significance for Inborn genetic diseases. Last evaluated: 2025-08-13. Review status: criteria provided, single submitter. Criteria: Ambry Variant Classification Scheme 2023. Collection method: clinical testing. Allele origin: germline.

Fulgent Genetics
Classification: Uncertain significance for Megaloblastic anemia, thiamine-responsive, with diabetes mellitus and sensorineural deafness. Last evaluated: 2024-06-21. Review status: criteria provided, single submitter. Criteria: ACMG Guidelines, 2015. Collection method: clinical testing. Allele origin: germline.

CeGaT Center for Human Genetics Tuebingen
Classification: Uncertain significance. Last evaluated: 2023-11-01. Review status: criteria provided, single submitter. Criteria: CeGaT Center For Human Genetics Tuebingen Variant Classification Criteria Version 2. Collection method: clinical testing. Allele origin: germline. Affected: yes. Observed: 1 variant allele.
Comment: SLC19A2: PM2

Blueprint Genetics
Classification: Uncertain significance. Last evaluated: 2021-10-21. Review status: criteria provided, single submitter. Criteria: ACMG Guidelines, 2015. Collection method: clinical testing. Allele origin: germline.

Labcorp Genetics (formerly Invitae), Labcorp
Classification: Uncertain significance. Last evaluated: 2021-08-31. Review status: criteria provided, single submitter. Criteria: Invitae Variant Classification Sherloc (09022015). Collection method: clinical testing. Allele origin: germline.
Comment: This sequence change replaces threonine with methionine at codon 436 of the SLC19A2 protein (p.Thr436Met). The threonine residue is moderately conserved and there is a moderate physicochemical difference between threonine and methionine. This variant is present in population databases (rs746730218, ExAC 0.006%). This variant has not been reported in the literature in individuals affected with SLC19A2-related conditions. Advanced modeling of protein sequence and biophysical properties (such as structural, functional, and spatial information, amino acid conservation, physicochemical variation, residue mobility, and thermodynamic stability) performed at Invitae indicates that this missense variant is expected to disrupt SLC19A2 protein function. In summary, the available evidence is currently insufficient to determine the role of this variant in disease. Therefore, it has been classified as a Variant of Uncertain Significance.

NM_006996.3(SLC19A2):c.1307C>T (p.Thr436Met)

Gene: SLC19A2 (solute carrier family 19 member 2; minus strand). Cytogenetic location: 1q24.2.
Variant type: single nucleotide variant.
Coding change: c.1307C>T on transcript NM_006996.3 (MANE Select); coding-DNA position 1307, C replaced by T.
Protein change: p.Thr436Met; replaces threonine 436 with methionine.
Molecular consequence: missense variant.
Genome position (GRCh38, 1-based): chr1:169,468,169, G>A on the plus strand (C>T on the coding strand, the complement: SLC19A2 is on the minus strand). VCF-style: chr1-169468169-G-A. GRCh37 (hg19) VCF-style: chr1-169437407-G-A.
Other names: c.1307C>T (NM_006996.2); c.704C>T, p.Thr235Met (NM_001319667.1); short protein forms T235M, T436M.
Identifiers: ClinVar variation 1421007 (VCV001421007.30), dbSNP rs746730218, ClinGen allele CA1232857.
Genomic context (GRCh38, chr1:169,468,169, plus strand): 5'-ACCTGAGTGGTAATTTCTAATCCAAGGCCACTGGCATCTACCACAATTAGAGTGAGCAGC[G>A]TCTGCAGTGCCAGGGCAATGAAGGTATTTACACCAAATACTAGGGCATAGCGTTCCATGC-3'
Protein context (NP_008927.1, residues 426-446): VNTFIALALQ[Thr436Met]LLTLIVVDAS